The following is an entry in ClinVar:

ClinVar aggregate classification (germline): Likely benign. Review status: criteria provided, multiple submitters, no conflicts (2 of 4 stars). 4 submissions from 4 submitters: Likely benign (3). 1 of the submissions does not count toward it. Last evaluated 2026-01-28.

Conditions:
SGSH-related disorder. Also called: SGSH-related condition.
Mucopolysaccharidosis, MPS-III-A (MPS3A). Also called: MUCOPOLYSACCHARIDOSIS, TYPE IIIA, ATTENUATED; Mucopolysaccharidosis type IIIA (Sanfilippo A); mucopolysaccharidosis type 3A; MPS IIIA (Sanfilippo Syndrome Type A); MPS III A; HEPARAN SULFATE SULFATASE DEFICIENCY. Identifiers: Orphanet 581, Orphanet 79269, MedGen C0086647, MONDO:0009655, OMIM 252900.

Allele frequency attached by ClinVar (database versions not stated): ExAC 0.00050; 1000 Genomes Project 0.00060; gnomAD 0.00172 and 0.00155; TOPMed 0.00189; gnomAD exomes 0.00042; 1000 Genomes Project 30x 0.00047; ESP Exome Variant Server 0.00146.

Submissions (4):

Labcorp Genetics (formerly Invitae), Labcorp
Classification: Likely benign for Mucopolysaccharidosis, MPS-III-A. Last evaluated: 2026-01-28. Review status: criteria provided, single submitter. Criteria: Invitae Variant Classification Sherloc (09022015). Collection method: clinical testing. Allele origin: germline.

Blueprint Genetics
Classification: Likely benign. Last evaluated: 2024-07-08. Review status: criteria provided, single submitter. Criteria: ACMG Guidelines, 2015. Collection method: clinical testing. Allele origin: germline.

Eurofins Ntd Llc (ga)
Classification: Likely benign. Last evaluated: 2015-11-22. Review status: criteria provided, single submitter. Criteria: EGL Classification Definitions 2015. Collection method: clinical testing. Allele origin: germline. Observed: 1 variant allele, 1 heterozygote.

PreventionGenetics, part of Exact Sciences
Classification: Likely benign for SGSH-related condition. Last evaluated: 2024-04-17. Review status: no assertion criteria provided. Collection method: clinical testing. Allele origin: germline. Not counted in ClinVar's aggregate classification.
Comment: This variant is classified as likely benign based on ACMG/AMP sequence variant interpretation guidelines (Richards et al. 2015 PMID: 25741868, with internal and published modifications).

NM_000199.5(SGSH):c.1337A>G (p.His446Arg)

Gene: SGSH (N-sulfoglucosamine sulfohydrolase; minus strand). Cytogenetic location: 17q25.3.
Variant type: single nucleotide variant.
Coding change: c.1337A>G on transcript NM_000199.5 (MANE Select); coding-DNA position 1337, A replaced by G.
Protein change: p.His446Arg; replaces histidine 446 with arginine.
Molecular consequence: missense variant. On other transcripts: 3 prime UTR variant (2), non-coding transcript variant (1).
Genome position (GRCh38, 1-based): chr17:80,210,624, T>C on the plus strand (A>G on the coding strand, the complement: SGSH is on the minus strand). VCF-style: chr17-80210624-T-C. GRCh37 (hg19) VCF-style: chr17-78184423-T-C.
Other names: c.*424A>G (NM_001352921.3); c.*387A>G (NM_001352922.2); short protein forms H446R.
Identifiers: ClinVar variation 284238 (VCV000284238.17), dbSNP rs148876719, ClinGen allele CA8817605.
Genomic context (GRCh38, chr17:80,210,624, plus strand): 5'-TCCCGAAGCATCTCCAGAAGCTGAGCAAAGCGCGGGTCGGTGGCCAGGTTCTGGGTCTCG[T>C]GGGGGTCCCGGCTCCGGTCGTAGAGCTCCCAGCGCGCCCGGTAGTAGTAATGACGGAGGT-3'
Protein context (NP_000190.1, residues 436-456): WELYDRSRDP[His446Arg]ETQNLATDPR